The following is an entry in ClinVar:

NM_005763.4(AASS):c.688-3T>C

Gene: AASS (aminoadipate-semialdehyde synthase; minus strand). Cytogenetic location: 7q31.32.
Variant type: single nucleotide variant.
Coding change: c.688-3T>C on transcript NM_005763.4 (MANE Select); 3 bases into the intron before coding-DNA position 688, T replaced by C.
Molecular consequence: intron variant.
Genome position (GRCh38, 1-based): chr7:122,116,960, A>G on the plus strand (T>C on the coding strand, the complement: AASS is on the minus strand). VCF-style: chr7-122116960-A-G. GRCh37 (hg19) VCF-style: chr7-121757014-A-G.
Identifiers: ClinVar variation 2421989 (VCV002421989.6), dbSNP rs914879020, ClinGen allele CA165932176.

ClinVar aggregate classification (germline): Uncertain significance (1 of 4 stars; one submission).

Allele frequency attached by ClinVar (database versions not stated): gnomAD exomes below 0.00001; TOPMed 0.00001.
gnomAD v4.1: 2 of 1,612,682 alleles (0.00012%); highest among the groups gnomAD compares: Non-Finnish European, 0.00017%; no homozygotes.

Submission:

Labcorp Genetics (formerly Invitae), Labcorp
Classification: Uncertain significance. Last evaluated: 2022-07-24. Review status: criteria provided, single submitter. Criteria: Invitae Variant Classification Sherloc (09022015). Collection method: clinical testing. Allele origin: germline.
Comment: This sequence change falls in intron 6 of the AASS gene. It does not directly change the encoded amino acid sequence of the AASS protein. It affects a nucleotide within the consensus splice site. This variant is not present in population databases (gnomAD no frequency). This variant has not been reported in the literature in individuals affected with AASS-related conditions. Variants that disrupt the consensus splice site are a relatively common cause of aberrant splicing (PMID: 17576681, 9536098). Algorithms developed to predict the effect of sequence changes on RNA splicing suggest that this variant is not likely to affect RNA splicing. In summary, the available evidence is currently insufficient to determine the role of this variant in disease. Therefore, it has been classified as a Variant of Uncertain Significance.

Literature cited by the submitters: PubMed 17576681; PubMed 9536098.